The following is an entry in ClinVar:

NC_000017.11:g.35577561_35577592del

Gene: PEX12 (peroxisomal biogenesis factor 12; minus strand). Cytogenetic location: 17q12.
Variant type: Deletion.
Genome position: GRCh38: chr17:35,577,561-35,577,592. GRCh37 (hg19): chr17:33,904,580-33,904,611.
Identifiers: ClinVar variation 1076434 (VCV001076434.7), dbSNP rs2142231221, ClinGen allele CA2499224290.

ClinVar aggregate classification (germline): Pathogenic (1 of 4 stars; one submission).

Conditions:
Peroxisome biogenesis disorder 3A (Zellweger). Also called: PEROXISOMAL BIOGENESIS DISORDER 3A (ZELLWEGER); Peroxisome biogenesis disorder 3A. Identifiers: Orphanet 912, MedGen C3553929, MONDO:0013927, OMIM 614859.

Submission:

Labcorp Genetics (formerly Invitae), Labcorp
Classification: Pathogenic for Peroxisome biogenesis disorder 3A (Zellweger). Last evaluated: 2024-01-22. Review status: criteria provided, single submitter. Criteria: Invitae Variant Classification Sherloc (09022015). Collection method: clinical testing. Allele origin: germline.
Comment: This sequence change creates a premature translational stop signal (p.Val43Leufs*7) in the PEX12 gene. It is expected to result in an absent or disrupted protein product. Loss-of-function variants in PEX12 are known to be pathogenic (PMID: 9090384, 9632816, 21031596). This variant is not present in population databases (gnomAD no frequency). This variant has not been reported in the literature in individuals affected with PEX12-related conditions. ClinVar contains an entry for this variant (Variation ID: 1076434). For these reasons, this variant has been classified as Pathogenic.

Literature cited by the submitters: PubMed 9090384; PubMed 9632816; PubMed 21031596.